The following is an entry in ClinVar:

ClinVar aggregate classification (germline): Uncertain significance. Review status: criteria provided, multiple submitters, no conflicts (2 of 4 stars). 4 submissions from 4 submitters: Uncertain significance (3). 1 of the submissions does not count toward it. Last evaluated 2024-11-13.

Conditions:
Retinal dystrophy. Also called: Inherited retinal dystrophy. Identifiers: Orphanet 71862, MedGen C0854723, MeSH D058499, MONDO:0019118, HP:0000556.
Autosomal recessive retinitis pigmentosa. Identifiers: MedGen C0339526.

Allele frequency attached by ClinVar (database versions not stated): gnomAD below 0.00001 and 0.00003; TOPMed 0.00002; 1000 Genomes Project 30x 0.00016; 1000 Genomes Project 0.00020; ExAC 0.00028.
gnomAD v4.1: 66 of 1,551,528 alleles (0.0043%); highest among the groups gnomAD compares: South Asian, 0.069%; no homozygotes.

Submissions (4):

Blueprint Genetics
Classification: Uncertain significance. Last evaluated: 2024-11-13. Review status: criteria provided, single submitter. Criteria: ACMG Guidelines, 2015. Collection method: clinical testing. Allele origin: germline.

Dept Of Ophthalmology, Nagoya University
Classification: Uncertain significance for Retinal dystrophy. Last evaluated: 2023-10-01. Review status: criteria provided, single submitter. Criteria: Submitter's publication. Collection method: research. Allele origin: germline. Affected: yes.

Labcorp Genetics (formerly Invitae), Labcorp
Classification: Uncertain significance. Last evaluated: 2021-08-31. Review status: criteria provided, single submitter. Criteria: Invitae Variant Classification Sherloc (09022015). Collection method: clinical testing. Allele origin: germline.
Comment: This sequence change replaces glutamic acid with lysine at codon 2949 of the EYS protein (p.Glu2949Lys). The glutamic acid residue is moderately conserved and there is a small physicochemical difference between glutamic acid and lysine. This variant is present in population databases (rs576288145, ExAC 0.08%). This variant has not been reported in the literature in individuals affected with EYS-related conditions. Algorithms developed to predict the effect of missense changes on protein structure and function output the following: SIFT: "Deleterious"; PolyPhen-2: "Possibly Damaging"; Align-GVGD: "Class C0". The lysine amino acid residue is found in multiple mammalian species, which suggests that this missense change does not adversely affect protein function. In summary, the available evidence is currently insufficient to determine the role of this variant in disease. Therefore, it has been classified as a Variant of Uncertain Significance.

Natera, Inc.
Classification: Uncertain significance for Autosomal recessive retinitis pigmentosa. Last evaluated: 2020-09-24. Review status: no assertion criteria provided. Collection method: clinical testing. Allele origin: germline. Not counted in ClinVar's aggregate classification.

NM_001142800.2(EYS):c.8845G>A (p.Glu2949Lys)

Genes: EYS (EGF-like photoreceptor maintenance factor; minus strand), PHF3 (PHD finger protein 3; plus strand). Cytogenetic location: 6q12.
Variant type: single nucleotide variant.
Coding change: c.8845G>A on transcript NM_001142800.2 (MANE Select); coding-DNA position 8845, G replaced by A.
Protein change: p.Glu2949Lys; replaces glutamic acid 2949 with lysine.
Molecular consequence: missense variant. On other transcripts: 3 prime UTR variant (5).
Genome position (GRCh38, 1-based): chr6:63,721,186, C>T on the plus strand (G>A on the coding strand, the complement: EYS is on the minus strand). VCF-style: chr6-63721186-C-T. GRCh37 (hg19) VCF-style: chr6-64431082-C-T.
Other names: c.*7478C>T (NM_001290259.2, NM_001370348.2, NM_001370349.2 and 2 more transcripts); c.8908G>A, p.Glu2970Lys (NM_001292009.2); short protein forms E2949K, E2970K.
Identifiers: ClinVar variation 990432 (VCV000990432.5), dbSNP rs576288145, ClinGen allele CA3876686.
Genomic context (GRCh38, chr6:63,721,186, plus strand): 5'-CAATGTATTTAATGTAAGAATTACCCATAAATTTTGCAGTTGAAAATGAAGTTTTGTTTT[C>T]ACAATACCTTCCCACCCAACCCAAAGTACACAGGCAACTGTAAGAAAATGATTGGTCAGG-3'
Protein context (NP_001136272.1, residues 2939-2959): CTLGWVGRYC[Glu2949Lys]NKTSFSTAKF